The following is an entry in ClinVar:

ClinVar aggregate classification (germline): Uncertain significance (1 of 4 stars; one submission).

Conditions:
Dilated cardiomyopathy 1G (CMD1G). Identifiers: Orphanet 154, MedGen C1858763, MONDO:0011400, OMIM 604145.

gnomAD v4.1: 6 of 1,613,138 alleles (0.00037%); highest among the groups gnomAD compares: South Asian, 0.0033%; no homozygotes.

Submission:

Victorian Clinical Genetics Services, Murdoch Childrens Research Institute
Classification: Uncertain significance for Dilated cardiomyopathy 1G. Last evaluated: 2022-02-02. Review status: criteria provided, single submitter. Criteria: ACMG Guidelines, 2015. Collection method: clinical testing. Allele origin: germline.
Comment: Based on the classification scheme VCGS_Germline_v1.3.4, this variant is classified as VUS-3B. Following criteria are met: 0102 - Loss of function is known mechanism of disease in this gene. In addition, dominant-negative is also a suggested mechanism. (PMID: 25589632). (I) 0108 - This gene is associated with both recessive and dominant disease (OMIM). (I) 0112 - The condition associated with this gene has incomplete penetrance. Variants in this gene that result in a premature truncating codon (PTC) are known to have reduced penetrance in DCM (PMID: 25589632). (I) 0200 - Variant is predicted to result in a missense amino acid change from threonine to lysine. (I) 0251 - This variant is heterozygous. (I) 0304 - Variant is present in gnomAD <0.01 (1 heterozygote, 0 homozygotes). (SP) 0309 - An alternative amino acid change at the same position has been observed in gnomAD (v2: 13 heterozygotes, 0 homozygotes). (I) 0502 - Missense variant with conflicting in silico predictions and uninformative conservation. (I) 0600 - Variant is located in the annotated A-band with a PSI score of 100 (PMID: 25589632). (I) 0708 - Another missense variant comparable to the one identified in this case has conflicting previous evidence for pathogenicity. p.(Thr25601Met) has been classified as both likely benign and a VUS by diagnostic laboratories in ClinVar. (I) 0807 - This variant has no previous evidence of pathogenicity. (I) 0905 - No published segregation evidence has been identified for this variant. (I) 1007 - No published functional evidence has been identified for this variant. (I) Legend: (SP) - Supporting pathogenic, (I) - Information, (SB) - Supporting benign

Literature cited by the submitters: PubMed 25589632.

NM_001267550.2(TTN):c.76802C>A (p.Thr25601Lys)

Genes: TTN-AS1 (TTN antisense RNA 1; plus strand), TTN (titin; minus strand). Cytogenetic location: 2q31.2.
Variant type: single nucleotide variant.
Coding change: c.76802C>A on transcript NM_001267550.2 (MANE Select); coding-DNA position 76802, C replaced by A.
Protein change: p.Thr25601Lys; replaces threonine 25601 with lysine.
Molecular consequence: missense variant.
Genome position (GRCh38, 1-based): chr2:178,569,330, G>T on the plus strand (C>A on the coding strand, the complement: TTN is on the minus strand). VCF-style: chr2-178569330-G-T. GRCh37 (hg19) VCF-style: chr2-179434057-G-T.
Other names: c.71879C>A, p.Thr23960Lys (NM_001256850.1); c.49607C>A, p.Thr16536Lys (NM_003319.4); c.69098C>A, p.Thr23033Lys (NM_133378.4); c.49982C>A, p.Thr16661Lys (NM_133432.3); c.50183C>A, p.Thr16728Lys (NM_133437.4); short protein forms T16536K, T16661K, T16728K, T23033K, T23960K, T25601K.
Identifiers: ClinVar variation 3376951 (VCV003376951.1).